The following is an entry in ClinVar:

ClinVar aggregate classification (germline): Uncertain significance (1 of 4 stars; one submission).

Conditions:
Inborn genetic diseases. Identifiers: MedGen C0950123, MeSH D030342.

Submission:

Ambry Genetics
Classification: Uncertain significance for Inborn genetic diseases. Last evaluated: 2025-09-25. Review status: criteria provided, single submitter. Criteria: Ambry Variant Classification Scheme 2023. Collection method: clinical testing. Allele origin: germline.
Comment: The c.1307G>C (p.C436S) alteration is located in exon 7 (coding exon 6) of the ZMYM3 gene. This alteration results from a G to C substitution at nucleotide position 1307, causing the cysteine (C) at amino acid position 436 to be replaced by a serine (S). This variant was not reported in population-based cohorts in the Genome Aggregation Database (gnomAD). This amino acid position is highly conserved in available vertebrate species. This missense alteration is located in a region that has a low rate of benign missense variation (Lek, 2016; Firth, 2009). This alteration is predicted to be deleterious by in silico analysis. Based on insufficient or conflicting evidence, the clinical significance of this alteration remains unclear.

NM_201599.3(ZMYM3):c.1307G>C (p.Cys436Ser)

Gene: ZMYM3 (zinc finger MYM-type containing 3; minus strand). Cytogenetic location: Xq13.1.
Variant type: single nucleotide variant.
Coding change: c.1307G>C on transcript NM_201599.3 (MANE Select); coding-DNA position 1307, G replaced by C.
Protein change: p.Cys436Ser; replaces cysteine 436 with serine.
Molecular consequence: missense variant.
Genome position (GRCh38, 1-based): chrX:71,249,624, C>G on the plus strand (G>C on the coding strand, the complement: ZMYM3 is on the minus strand). VCF-style: chrX-71249624-C-G. GRCh37 (hg19) VCF-style: chrX-70469474-C-G.
Other names: c.1307G>C, p.Cys436Ser (NM_001171162.1, NM_001171163.1, NM_005096.3); short protein forms C436S.
Identifiers: ClinVar variation 4635096 (VCV004635096.1).
Genomic context (GRCh38, chrX:71,249,624, plus strand): 5'-GCCCCACACTGGTCACAACAGTTGGTTTTCAGTCCCTTGTTGGCCCGGAATTTGGAGAAG[C>G]AAGAATCGCTGCAGAGCCGGTGTACCACGCTGCCATTGCTGACCTCGTGCAGGACCTGCC-3'
Protein context (NP_963893.1, residues 426-446): SVVHRLCSDS[Cys436Ser]FSKFRANKGL